The following is an entry in ClinVar:

ClinVar aggregate classification (germline): Likely benign. Review status: criteria provided, single submitter (1 of 4 stars). 2 submissions from 2 submitters: Likely benign (1). 1 of the submissions does not count toward it. Last evaluated 2024-10-29.

Allele frequency attached by ClinVar (database versions not stated): ExAC 0.00001; gnomAD 0.00001; gnomAD exomes 0.00001; TOPMed 0.00001.
gnomAD v4.1: 21 of 1,613,844 alleles (0.0013%); highest among the groups gnomAD compares: South Asian, 0.011%; no homozygotes.

Submissions (2):

Labcorp Genetics (formerly Invitae), Labcorp
Classification: Likely benign. Last evaluated: 2024-10-29. Review status: criteria provided, single submitter. Criteria: Invitae Variant Classification Sherloc (09022015). Collection method: clinical testing. Allele origin: germline.

ITMI
No classification provided. Condition: AllHighlyPenetrant. Last evaluated: 2013-09-19. Review status: no classification provided. Collection method: reference population. Allele origin: germline. Not counted in ClinVar's aggregate classification.
Comment: Please see associated publication for description of ethnicities

Literature cited by the submitters: PubMed 24728327 (cited by ITMI).

NM_015338.6(ASXL1):c.1817G>A (p.Arg606Gln)

Gene: ASXL1 (ASXL transcriptional regulator 1; plus strand). Cytogenetic location: 20q11.21.
Variant type: single nucleotide variant.
Coding change: c.1817G>A on transcript NM_015338.6 (MANE Select); coding-DNA position 1817, G replaced by A.
Protein change: p.Arg606Gln; replaces arginine 606 with glutamine.
Molecular consequence: missense variant.
Genome position (GRCh38, 1-based): chr20:32,434,529, G>A. VCF-style: chr20-32434529-G-A. GRCh37 (hg19) VCF-style: chr20-31022332-G-A.
Other names: c.1634G>A, p.Arg545Gln (NM_001363734.1); short protein forms R606Q, R545Q.
Identifiers: ClinVar variation 133591 (VCV000133591.5), dbSNP rs587778061, ClinGen allele CA157026.